The following is an entry in ClinVar:

ClinVar aggregate classification (germline): Uncertain significance. Review status: criteria provided, multiple submitters, no conflicts (2 of 4 stars). 2 submissions from 2 submitters: Uncertain significance (2). Last evaluated 2025-08-24.

Conditions:
Inborn genetic diseases. Identifiers: MedGen C0950123, MeSH D030342.

Allele frequency attached by ClinVar (database versions not stated): gnomAD exomes below 0.00001; ExAC 0.00001; gnomAD 0.00001; 1000 Genomes Project 30x 0.00016; 1000 Genomes Project 0.00020.
gnomAD v4.1: 3 of 1,613,960 alleles (0.00019%); highest among the groups gnomAD compares: African/African-American, 0.004%; no homozygotes.

Submissions (2):

Ambry Genetics
Classification: Uncertain significance for Inborn genetic diseases. Last evaluated: 2025-08-24. Review status: criteria provided, single submitter. Criteria: Ambry Variant Classification Scheme 2023. Collection method: clinical testing. Allele origin: germline.

Labcorp Genetics (formerly Invitae), Labcorp
Classification: Uncertain significance. Last evaluated: 2022-08-09. Review status: criteria provided, single submitter. Criteria: Invitae Variant Classification Sherloc (09022015). Collection method: clinical testing. Allele origin: germline.
Comment: In summary, the available evidence is currently insufficient to determine the role of this variant in disease. Therefore, it has been classified as a Variant of Uncertain Significance. Algorithms developed to predict the effect of missense changes on protein structure and function are either unavailable or do not agree on the potential impact of this missense change (SIFT: "Deleterious"; PolyPhen-2: "Benign"; Align-GVGD: "Class C15"). ClinVar contains an entry for this variant (Variation ID: 1488725). This variant has not been reported in the literature in individuals affected with CAPN5-related conditions. This variant is present in population databases (rs548678474, gnomAD 0.008%). This sequence change replaces arginine, which is basic and polar, with glycine, which is neutral and non-polar, at codon 615 of the CAPN5 protein (p.Arg615Gly).

NM_004055.5(CAPN5):c.1843C>G (p.Arg615Gly)

Gene: CAPN5 (calpain 5; plus strand). Cytogenetic location: 11q13.5.
Variant type: single nucleotide variant.
Coding change: c.1843C>G on transcript NM_004055.5 (MANE Select); coding-DNA position 1843, C replaced by G.
Protein change: p.Arg615Gly; replaces arginine 615 with glycine.
Molecular consequence: missense variant.
Genome position (GRCh38, 1-based): chr11:77,123,790, C>G. VCF-style: chr11-77123790-C-G. GRCh37 (hg19) VCF-style: chr11-76834836-C-G.
Other names: c.1843C>G (NM_004055.4); short protein forms R615G.
Identifiers: ClinVar variation 1488725 (VCV001488725.7), dbSNP rs548678474, ClinGen allele CA6196935.